The following is an entry in ClinVar:

NM_001128840.3(CACNA1D):c.67+734del

Gene: CACNA1D (calcium voltage-gated channel subunit alpha1 D; plus strand). Cytogenetic location: 3p21.1.
Variant type: Deletion.
Coding change: c.67+734del on transcript NM_001128840.3 (MANE Select); 734 bases into the intron after coding-DNA position 67, one base deleted (G; older notation c.67+734delG).
Molecular consequence: intron variant.
Genome position (GRCh38, 1-based): chr3:53,495,967, G deleted. VCF-style (leftmost placement, unchanged base first): chr3-53495966-CG-C. GRCh37 (hg19) VCF-style: chr3-53529993-CG-C.
Other names: c.67+734del (NM_001128839.3, NM_000720.4).
Identifiers: ClinVar variation 1711577 (VCV001711577.30), dbSNP rs566584030, ClinGen allele CA75053093.

ClinVar aggregate classification (germline): Benign (1 of 4 stars; one submission).

Allele frequency attached by ClinVar (database versions not stated): 1000 Genomes Project 30x 0.00328; 1000 Genomes Project 0.00379; TOPMed 0.00752; gnomAD 0.00909.

Submission:

CeGaT Center for Human Genetics Tuebingen
Classification: Benign. Last evaluated: 2023-01-01. Review status: criteria provided, single submitter. Criteria: CeGaT Center For Human Genetics Tuebingen Variant Classification Criteria Version 2. Collection method: clinical testing. Allele origin: germline. Affected: yes. Observed: 4 variant alleles.
Comment: CACNA1D: BS1, BS2